The following is an entry in ClinVar:

NM_000170.3(GLDC):c.3046_3047del (p.Lys1016fs)

Gene: GLDC (glycine decarboxylase; minus strand). Cytogenetic location: 9p24.1.
Variant type: Deletion.
Coding change: c.3046_3047del on transcript NM_000170.3 (MANE Select); coding-DNA positions 3046 to 3047, 2 bases deleted (AA; older notation c.3046_3047delAA).
Protein change: p.Lys1016fs; shifts the reading frame from lysine 1016.
Molecular consequence: frameshift variant.
Genome position (GRCh38, 1-based): chr9:6,533,033-6,533,034, TT deleted on the plus strand (AA on the coding strand, the reverse complement: GLDC is on the minus strand); deleting any 2 consecutive bases within chr9:6,533,033-6,533,036 gives the same sequence; the c. name uses the placement nearest the transcript's 3' end. VCF-style (leftmost placement, unchanged base first): chr9-6533032-CTT-C. GRCh37 (hg19) VCF-style: chr9-6533032-CTT-C.
Other names: short protein forms K1016fs.
Identifiers: ClinVar variation 5004479 (VCV005004479.1).

ClinVar aggregate classification (germline): Uncertain significance (1 of 4 stars; one submission).

Conditions:
Glycine encephalopathy 1 (GCE1). Identifiers: MedGen CN376801, MONDO:0958179, OMIM 605899.

Submission:

Myriad Genetics, Inc.
Classification: Uncertain significance for Glycine encephalopathy 1. Last evaluated: 2026-02-19. Review status: criteria provided, single submitter. Criteria: Myriad Autosomal Dominant, Autosomal Recessive and X-Linked Classification Criteria (2023). Collection method: clinical testing. Allele origin: unknown.
Comment: NM_000170.2(GLDC):c.3046_3047delAA(K1016Efs*10) is a readthrough frameshift variant classified as a variant of uncertain significance in the context of glycine encephalopathy, GLDC-related. K1016Efs*10 has not been observed in cases with relevant disease. Relevant functional assessments of this variant are not available in the literature. K1016Efs*10 has not been observed in referenced population frequency databases. In summary, there is insufficient evidence to classify NM_000170.2(GLDC):c.3046_3047delAA(K1016Efs*10) as pathogenic or benign. Please note: this variant was assessed in the context of healthy population screening.